The following is an entry in ClinVar:

NM_004006.3(DMD):c.3277C>A (p.Leu1093Ile)

Gene: DMD (dystrophin; minus strand). Cytogenetic location: Xp21.1.
Variant type: single nucleotide variant.
Coding change: c.3277C>A on transcript NM_004006.3 (MANE Select); coding-DNA position 3277, C replaced by A.
Protein change: p.Leu1093Ile; replaces leucine 1093 with isoleucine.
Molecular consequence: missense variant.
Genome position (GRCh38, 1-based): chrX:32,463,594, G>T on the plus strand (C>A on the coding strand, the complement: DMD is on the minus strand). VCF-style: chrX-32463594-G-T. GRCh37 (hg19) VCF-style: chrX-32481711-G-T.
Other names: c.3253C>A, p.Leu1085Ile (NM_000109.4); c.3265C>A, p.Leu1089Ile (NM_004009.3); c.2908C>A, p.Leu970Ile (NM_004010.3); short protein forms L1093I, L1085I, L1089I, L970I.
Identifiers: ClinVar variation 2177919 (VCV002177919.2), dbSNP rs775903979, ClinGen allele CA412664633.

ClinVar aggregate classification (germline): Uncertain significance (1 of 4 stars; one submission).

Conditions:
Duchenne muscular dystrophy (DMD). Also called: MUSCULAR DYSTROPHY, PSEUDOHYPERTROPHIC PROGRESSIVE, DUCHENNE TYPE; Duchenne Muscular Dystrophy (DMD). Identifiers: Orphanet 98896, MedGen C0013264, MONDO:0010679, OMIM 310200.

gnomAD v4.1: 2 of 1,134,562 alleles (0.00018%); highest among the groups gnomAD compares: Non-Finnish European, 0.00023%; no homozygotes.

Submission:

Labcorp Genetics (formerly Invitae), Labcorp
Classification: Uncertain significance for Duchenne muscular dystrophy. Last evaluated: 2026-01-19. Review status: criteria provided, single submitter. Criteria: Invitae Variant Classification Sherloc (09022015). Collection method: clinical testing. Allele origin: germline.
Comment: This sequence change replaces leucine, which is neutral and non-polar, with isoleucine, which is neutral and non-polar, at codon 1093 of the DMD protein (p.Leu1093Ile). This variant is not present in population databases (gnomAD no frequency). This variant has not been reported in the literature in individuals affected with DMD-related conditions. ClinVar contains an entry for this variant (Variation ID: 2177919). An algorithm developed to predict the effect of missense changes on protein structure and function (PolyPhen-2) suggests that this variant is likely to be disruptive. In summary, the available evidence is currently insufficient to determine the role of this variant in disease. Therefore, it has been classified as a Variant of Uncertain Significance.